The following is an entry in ClinVar:

NM_001369.3(DNAH5):c.4966del (p.Ser1656fs)

Gene: DNAH5 (dynein axonemal heavy chain 5; minus strand). Cytogenetic location: 5p15.2.
Variant type: Deletion.
Coding change: c.4966del on transcript NM_001369.3 (MANE Select); coding-DNA position 4966, one base deleted (T; older notation c.4966delT).
Protein change: p.Ser1656fs; shifts the reading frame from serine 1656.
Molecular consequence: frameshift variant.
Genome position (GRCh38, 1-based): chr5:13,850,800, A deleted on the plus strand (T on the coding strand, the reverse complement: DNAH5 is on the minus strand); the first of 4 consecutive A bases (chr5:13,850,800-13,850,803); deleting any one gives the same sequence. VCF-style (leftmost placement, unchanged base first): chr5-13850799-GA-G. GRCh37 (hg19) VCF-style: chr5-13850908-GA-G.
Other names: short protein forms S1656fs.
Identifiers: ClinVar variation 1452134 (VCV001452134.6), dbSNP rs772381070, ClinGen allele CA3203822.

ClinVar aggregate classification (germline): Pathogenic (1 of 4 stars; one submission).

Conditions:
Primary ciliary dyskinesia. Also called: Ciliary dyskinesia. Identifiers: Orphanet 244, MedGen C0008780, MONDO:0016575, HP:0012265.

Submission:

Labcorp Genetics (formerly Invitae), Labcorp
Classification: Pathogenic for Primary ciliary dyskinesia. Last evaluated: 2021-03-25. Review status: criteria provided, single submitter. Criteria: Invitae Variant Classification Sherloc (09022015). Collection method: clinical testing. Allele origin: germline.
Comment: This variant has not been reported in the literature in individuals with DNAH5-related conditions. This variant is present in population databases (rs772381070, ExAC 0.001%). This sequence change creates a premature translational stop signal (p.Ser1656Leufs*3) in the DNAH5 gene. It is expected to result in an absent or disrupted protein product. Loss-of-function variants in DNAH5 are known to be pathogenic (PMID: 11788826, 16627867). For these reasons, this variant has been classified as Pathogenic.

Literature cited by the submitters: PubMed 11788826; PubMed 16627867.